The following is an entry in ClinVar:

NM_000481.4(AMT):c.57_59dup (p.Pro20_Ala21insPro)

Genes: AMT (aminomethyltransferase; minus strand), NICN1 (nicolin 1, tubulin polyglutamylase complex subunit; minus strand). Cytogenetic location: 3p21.31.
Variant type: Duplication.
Coding change: c.57_59dup on transcript NM_000481.4 (MANE Select); coding-DNA positions 57 to 59, 3 bases duplicated (CCC; older notation c.57_59dupCCC).
Protein change: p.Pro20_Ala21insPro.
Molecular consequence: inframe insertion. On other transcripts: inframe indel (1), non-coding transcript variant (1), 3 prime UTR variant (1).
Genome position (GRCh38, 1-based): chr3:49,422,392-49,422,394, GGG duplicated on the plus strand (CCC on the coding strand, the reverse complement: AMT is on the minus strand); duplicating any 3 consecutive bases within chr3:49,422,392-49,422,397 gives the same sequence; the c. name uses the placement nearest the transcript's 3' end. VCF-style (leftmost placement, unchanged base first): chr3-49422391-C-CGGG. GRCh37 (hg19) VCF-style: chr3-49459824-C-CGGG.
Other names: c.57_59dupCCC (NM_000481.3); c.57_59dup, p.Pro20_Ala21insPro (NM_001164710.2, NM_001164711.2, NM_001164712.2); c.*2439_*2441dup (NM_032316.3).
Identifiers: ClinVar variation 556727 (VCV000556727.6), dbSNP rs386833686, ClinGen allele CA2398501.

ClinVar aggregate classification (germline): Uncertain significance. Review status: criteria provided, single submitter (1 of 4 stars). 2 submissions from 2 submitters: Uncertain significance (1). 1 of the submissions does not count toward it. Last evaluated 2024-12-02.

Conditions:
Glycine encephalopathy. Also called: Non-ketotic hyperglycinemia; Nonketotic hyperglycinemia. Identifiers: Orphanet 407, MedGen C0751748, MONDO:0011612, HP:0008288.
Glycine encephalopathy 1 (GCE1). Identifiers: MedGen CN376801, MONDO:0958179, OMIM 605899.

Submissions (2):

Labcorp Genetics (formerly Invitae), Labcorp
Classification: Uncertain significance for Glycine encephalopathy. Last evaluated: 2024-12-02. Review status: criteria provided, single submitter. Criteria: Invitae Variant Classification Sherloc (09022015). Collection method: clinical testing. Allele origin: germline.
Comment: This variant, c.57_59dup, results in the insertion of 1 amino acid(s) of the AMT protein (p.Pro20dup), but otherwise preserves the integrity of the reading frame. This variant is present in population databases (rs770510324, gnomAD 0.01%). This variant has not been reported in the literature in individuals affected with AMT-related conditions. ClinVar contains an entry for this variant (Variation ID: 556727). Experimental studies and prediction algorithms are not available or were not evaluated, and the functional significance of this variant is currently unknown. In summary, the available evidence is currently insufficient to determine the role of this variant in disease. Therefore, it has been classified as a Variant of Uncertain Significance.

Counsyl
Classification: Uncertain significance for Glycine encephalopathy 1. Last evaluated: 2018-02-15. Review status: no assertion criteria provided. Collection method: clinical testing. Allele origin: unknown. Not counted in ClinVar's aggregate classification.